The following is an entry in ClinVar:

ClinVar aggregate classification (germline): Uncertain significance (1 of 4 stars; one submission).

Conditions:
Hereditary cancer-predisposing syndrome. Also called: Tumor predisposition; Hereditary Cancer Syndrome; Hereditary neoplastic syndrome; Neoplastic Syndromes, Hereditary. Identifiers: Orphanet 140162, MedGen C0027672, MeSH D009386, MONDO:0015356.

Submission:

Ambry Genetics
Classification: Uncertain significance for Hereditary cancer-predisposing syndrome. Last evaluated: 2025-12-07. Review status: criteria provided, single submitter. Criteria: Ambry Variant Classification Scheme 2023. Collection method: clinical testing. Allele origin: germline.
Comment: The p.M239L variant (also known as c.715A>T), located in coding exon 3 of the XRCC2 gene, results from an A to T substitution at nucleotide position 715. The methionine at codon 239 is replaced by leucine, an amino acid with highly similar properties. This amino acid position is conserved. In addition, this alteration is predicted to be tolerated by in silico analysis. Based on the available evidence, the clinical significance of this variant remains unclear.

NM_005431.2(XRCC2):c.715A>T (p.Met239Leu)

Gene: XRCC2 (X-ray repair cross complementing 2; minus strand). Cytogenetic location: 7q36.1.
Variant type: single nucleotide variant.
Coding change: c.715A>T on transcript NM_005431.2 (MANE Select); coding-DNA position 715, A replaced by T.
Protein change: p.Met239Leu; replaces methionine 239 with leucine.
Molecular consequence: missense variant.
Genome position (GRCh38, 1-based): chr7:152,648,770, T>A on the plus strand (A>T on the coding strand, the complement: XRCC2 is on the minus strand). VCF-style: chr7-152648770-T-A. GRCh37 (hg19) VCF-style: chr7-152345855-T-A.
Other names: short protein forms M239L.
Identifiers: ClinVar variation 4558664 (VCV004558664.1).
Genomic context (GRCh38, chr7:152,648,770, plus strand): 5'-AACGTGAAACTAATGAAAATTGGTTGCTGCTTTGAGAATCATCTTGTTTGGAGAAAAACA[T>A]CCTGTGCTTCACCAGTTGCTGCCATGCCTTACAGAGATAAGGTCTGTAGTCTATGTCCAC-3'
Protein context (NP_005422.1, residues 229-249): KAWQQLVKHR[Met239Leu]FFSKQDDSQS